The following is an entry in ClinVar:

ClinVar aggregate classification (germline): Uncertain significance (1 of 4 stars; one submission).

Submission:

Laboratorio de Genetica e Diagnostico Molecular, Hospital Israelita Albert Einstein
Classification: Uncertain significance. Last evaluated: 2020-07-15. Review status: criteria provided, single submitter. Criteria: ACMG Guidelines, 2015. Collection method: clinical testing. Allele origin: germline. Affected: yes.
Comment: ACMG classification criteria: PM2, PP2, BP4

NM_006939.4(SOS2):c.2256T>G (p.Phe752Leu)

Gene: SOS2 (SOS Ras/Rho guanine nucleotide exchange factor 2; minus strand). Cytogenetic location: 14q21.3.
Variant type: single nucleotide variant.
Coding change: c.2256T>G on transcript NM_006939.4 (MANE Select); coding-DNA position 2256, T replaced by G.
Protein change: p.Phe752Leu; replaces phenylalanine 752 with leucine.
Molecular consequence: missense variant.
Genome position (GRCh38, 1-based): chr14:50,150,136, A>C on the plus strand (T>G on the coding strand, the complement: SOS2 is on the minus strand). VCF-style: chr14-50150136-A-C. GRCh37 (hg19) VCF-style: chr14-50616854-A-C.
Other names: short protein forms F752L.
Identifiers: ClinVar variation 1690912 (VCV001690912.2), dbSNP rs2139595245, ClinGen allele CA389643857.
Genomic context (GRCh38, chr14:50,150,136, plus strand): 5'-AAATGTTTCAAACTGTCCTGGTTTGCTGATATGCCATTCAATTGGTGGAGGTGGACTTTC[A>C]AAGGTAATATTATGGCTTACTCCGTTTGCCTGAGCTTGCTTCTTCCTCCTGATGATCTTA-3'
Protein context (NP_008870.2, residues 742-762): QANGVSHNIT[Phe752Leu]ESPPPPIEWH